The following is an entry in ClinVar:

NM_000096.4(CP):c.389A>G (p.His130Arg)

Gene: CP (ceruloplasmin; minus strand). Cytogenetic location: 3q25.1.
Variant type: single nucleotide variant.
Coding change: c.389A>G on transcript NM_000096.4 (MANE Select); coding-DNA position 389, A replaced by G.
Protein change: p.His130Arg; replaces histidine 130 with arginine.
Molecular consequence: missense variant. On other transcripts: non-coding transcript variant (1).
Genome position (GRCh38, 1-based): chr3:149,212,456, T>C on the plus strand (A>G on the coding strand, the complement: CP is on the minus strand). VCF-style: chr3-149212456-T-C. GRCh37 (hg19) VCF-style: chr3-148930243-T-C.
Other names: short protein forms H130R.
Identifiers: ClinVar variation 575769 (VCV000575769.8), dbSNP rs747953840, ClinGen allele CA354919388.

ClinVar aggregate classification (germline): Uncertain significance (1 of 4 stars; one submission).

Conditions:
Deficiency of ferroxidase (ACEP). Also called: Aceruloplasminemia; NEURODEGENERATION WITH BRAIN IRON ACCUMULATION 10; Deficiency of ceruloplasmin; Ceruloplasmin deficiency; Familial apoceruloplasmin deficiency; Hereditary ceruloplasmin deficiency. Identifiers: Orphanet 48818, MedGen C0878682, MONDO:0011426, OMIM 604290, HP:0025498.

gnomAD v4.1: 2 of 1,613,986 alleles (0.00012%); highest among the groups gnomAD compares: South Asian, 0.0011%; no homozygotes.

Submission:

Labcorp Genetics (formerly Invitae), Labcorp
Classification: Uncertain significance for Deficiency of ferroxidase. Last evaluated: 2018-06-29. Review status: criteria provided, single submitter. Criteria: Invitae Variant Classification Sherloc (09022015). Collection method: clinical testing. Allele origin: germline.
Comment: This variant is not present in population databases (ExAC no frequency). This sequence change replaces histidine with arginine at codon 130 of the CP protein (p.His130Arg). The histidine residue is moderately conserved and there is a small physicochemical difference between histidine and arginine. This variant has not been reported in the literature in individuals with CP-related disease. In summary, the available evidence is currently insufficient to determine the role of this variant in disease. Therefore, it has been classified as a Variant of Uncertain Significance. Algorithms developed to predict the effect of sequence changes on RNA splicing suggest that this variant may create or strengthen a splice site, but this prediction has not been confirmed by published transcriptional studies. Algorithms developed to predict the effect of missense changes on protein structure and function (SIFT, PolyPhen-2, Align-GVGD) all suggest that this variant is likely to be tolerated, but these predictions have not been confirmed by published functional studies and their clinical significance is uncertain.